The following is an entry in ClinVar:

ClinVar aggregate classification (germline): Uncertain significance (1 of 4 stars; one submission).

Conditions:
Early-infantile DEE. Also called: Ohtahara syndrome; Early infantile epileptic encephalopathy with suppression bursts; Early infantile epileptic encephalopathy. Identifiers: Orphanet 1934, MedGen C0393706, MONDO:0800491.

Submission:

Labcorp Genetics (formerly Invitae), Labcorp
Classification: Uncertain significance for Early-infantile DEE. Last evaluated: 2024-03-27. Review status: criteria provided, single submitter. Criteria: Invitae Variant Classification Sherloc (09022015). Collection method: clinical testing. Allele origin: germline.
Comment: This sequence change replaces arginine, which is basic and polar, with proline, which is neutral and non-polar, at codon 14 of the HCN1 protein (p.Arg14Pro). This variant is not present in population databases (gnomAD no frequency). This variant has not been reported in the literature in individuals affected with HCN1-related conditions. Advanced modeling of protein sequence and biophysical properties (such as structural, functional, and spatial information, amino acid conservation, physicochemical variation, residue mobility, and thermodynamic stability) performed at Invitae indicates that this missense variant is not expected to disrupt HCN1 protein function with a negative predictive value of 95%. In summary, the available evidence is currently insufficient to determine the role of this variant in disease. Therefore, it has been classified as a Variant of Uncertain Significance.

NM_021072.4(HCN1):c.41G>C (p.Arg14Pro)

Gene: HCN1 (hyperpolarization activated cyclic nucleotide gated potassium channel 1; minus strand). Cytogenetic location: 5p12.
Variant type: single nucleotide variant.
Coding change: c.41G>C on transcript NM_021072.4 (MANE Select); coding-DNA position 41, G replaced by C.
Protein change: p.Arg14Pro; replaces arginine 14 with proline.
Molecular consequence: missense variant.
Genome position (GRCh38, 1-based): chr5:45,696,053, C>G on the plus strand (G>C on the coding strand, the complement: HCN1 is on the minus strand). VCF-style: chr5-45696053-C-G. GRCh37 (hg19) VCF-style: chr5-45696155-C-G.
Other names: short protein forms R14P.
Identifiers: ClinVar variation 3693075 (VCV003693075.2).